The following is an entry in ClinVar:

NM_005263.5(GFI1):c.685C>A (p.Leu229Met)

Gene: GFI1 (growth factor independent 1 transcriptional repressor; minus strand). Cytogenetic location: 1p22.1.
Variant type: single nucleotide variant.
Coding change: c.685C>A on transcript NM_005263.5 (MANE Select); coding-DNA position 685, C replaced by A.
Protein change: p.Leu229Met; replaces leucine 229 with methionine.
Molecular consequence: missense variant.
Genome position (GRCh38, 1-based): chr1:92,480,702, G>T on the plus strand (C>A on the coding strand, the complement: GFI1 is on the minus strand). VCF-style: chr1-92480702-G-T. GRCh37 (hg19) VCF-style: chr1-92946259-G-T.
Other names: c.685C>A, p.Leu229Met (NM_001127215.3, NM_001127216.3); short protein forms L229M.
Identifiers: ClinVar variation 4029373 (VCV004029373.1).

ClinVar aggregate classification (germline): Uncertain significance (1 of 4 stars; one submission).

Submission:

Ambry Genetics
Classification: Uncertain significance. Last evaluated: 2025-03-30. Review status: criteria provided, single submitter. Criteria: Ambry Variant Classification Scheme 2023. Collection method: clinical testing. Allele origin: germline.
Comment: The p.L229M variant (also known as c.685C>A), located in coding exon 3 of the GFI1 gene, results from a C to A substitution at nucleotide position 685. The leucine at codon 229 is replaced by methionine, an amino acid with highly similar properties. This amino acid position is conserved. In addition, this alteration is predicted to be tolerated by in silico analysis. Based on the available evidence, the clinical significance of this variant remains unclear.